The following is an entry in ClinVar:

NM_138295.5(PKD1L1):c.7464C>T (p.Ser2488=)

Genes: PKD1L1 (polycystin 1 like 1, transient receptor potential channel interacting; minus strand), PKD1L1-AS1 (PKD1L1 antisense RNA 1; plus strand). Cytogenetic location: 7p12.3.
Variant type: single nucleotide variant.
Coding change: c.7464C>T on transcript NM_138295.5 (MANE Select); coding-DNA position 7464, C replaced by T.
Protein change: p.Ser2488=; no amino-acid change (serine 2488 retained).
Molecular consequence: synonymous variant.
Genome position (GRCh38, 1-based): chr7:47,811,934, G>A on the plus strand (C>T on the coding strand, the complement: PKD1L1 is on the minus strand). VCF-style: chr7-47811934-G-A. GRCh37 (hg19) VCF-style: chr7-47851532-G-A.
Identifiers: ClinVar variation 4987523 (VCV004987523.1).

ClinVar aggregate classification (germline): Likely benign (1 of 4 stars; one submission).

Conditions:
PKD1L1-related disorder. Also called: PKD1L1-related condition.

gnomAD v4.1: 12 of 1,606,742 alleles (0.00075%); highest among the groups gnomAD compares: African/African-American, 0.0053%; no homozygotes.

Submission:

PreventionGenetics, part of Exact Sciences
Classification: Likely benign for PKD1L1-related condition. Last evaluated: 2026-05-30. Review status: criteria provided, single submitter. Criteria: ACMG Guidelines, 2015. Collection method: clinical testing. Allele origin: germline.
Comment: This variant is classified as likely benign based on ACMG/AMP sequence variant interpretation guidelines (Richards et al. 2015 PMID: 25741868, with internal and published modifications).